The following is an entry in ClinVar:

ClinVar aggregate classification (germline): Uncertain significance. Review status: criteria provided, multiple submitters, no conflicts (2 of 4 stars). 2 submissions from 2 submitters: Uncertain significance (2). Last evaluated 2025-09-29.

Conditions:
Inborn genetic diseases. Identifiers: MedGen C0950123, MeSH D030342.
Neuropathy, hereditary sensory and autonomic, type 1C. Also called: HSAN IC; HSN IC. Identifiers: Orphanet 36386, MedGen C3150896, MONDO:0013337, OMIM 613640.

Allele frequency attached by ClinVar (database versions not stated): gnomAD exomes below 0.00001.
gnomAD v4.1: 3 of 1,613,952 alleles (0.00019%); highest among the groups gnomAD compares: Non-Finnish European, 0.00025%; no homozygotes.

Submissions (2):

Ambry Genetics
Classification: Uncertain significance for Inborn genetic diseases. Last evaluated: 2025-09-29. Review status: criteria provided, single submitter. Criteria: Ambry Variant Classification Scheme 2023. Collection method: clinical testing. Allele origin: germline.

Labcorp Genetics (formerly Invitae), Labcorp
Classification: Uncertain significance for Neuropathy, hereditary sensory and autonomic, type 1C. Last evaluated: 2020-05-24. Review status: criteria provided, single submitter. Criteria: Invitae Variant Classification Sherloc (09022015). Collection method: clinical testing. Allele origin: germline.
Comment: This variant has not been reported in the literature in individuals with SPTLC2-related conditions. This variant is not present in population databases (ExAC no frequency). This sequence change replaces alanine with threonine at codon 231 of the SPTLC2 protein (p.Ala231Thr). The alanine residue is moderately conserved and there is a small physicochemical difference between alanine and threonine. In summary, the available evidence is currently insufficient to determine the role of this variant in disease. Therefore, it has been classified as a Variant of Uncertain Significance. Algorithms developed to predict the effect of missense changes on protein structure and function are either unavailable or do not agree on the potential impact of this missense change (SIFT: "Tolerated"; PolyPhen-2: "Possibly Damaging"; Align-GVGD: "Class C0").

NM_004863.4(SPTLC2):c.691G>A (p.Ala231Thr)

Gene: SPTLC2 (serine palmitoyltransferase long chain base subunit 2; minus strand). Cytogenetic location: 14q24.3.
Variant type: single nucleotide variant.
Coding change: c.691G>A on transcript NM_004863.4 (MANE Select); coding-DNA position 691, G replaced by A.
Protein change: p.Ala231Thr; replaces alanine 231 with threonine.
Molecular consequence: missense variant.
Genome position (GRCh38, 1-based): chr14:77,570,449, C>T on the plus strand (G>A on the coding strand, the complement: SPTLC2 is on the minus strand). VCF-style: chr14-77570449-C-T. GRCh37 (hg19) VCF-style: chr14-78036792-C-T.
Other names: c.691G>A (NM_004863.3); short protein forms A231T.
Identifiers: ClinVar variation 1056253 (VCV001056253.10), dbSNP rs2140034164, ClinGen allele CA390712823.
Genomic context (GRCh38, chr14:77,570,449, plus strand): 5'-CAACAAGAGCAGGAATGTTCATTGAATTCGTTGCAAATCCCATGCCATACGCCATAGCAG[C>T]TTCTACTCCTAAGAACCTTGCTACAAGCTCCTCTAGTTCTTCATGCTTGTCCAGGTTTCC-3'
Protein context (NP_004854.1, residues 221-241): ELVARFLGVE[Ala231Thr]AMAYGMGFAT